The following is an entry in ClinVar:

ClinVar aggregate classification (germline): Uncertain significance (1 of 4 stars; one submission).

Allele frequency attached by ClinVar (database versions not stated): gnomAD 0.00001; gnomAD exomes 0.00001 and 0.00002; ExAC 0.00002; TOPMed 0.00003; ESP Exome Variant Server 0.00008.
gnomAD v4.1: 26 of 1,614,050 alleles (0.0016%); highest among the groups gnomAD compares: East Asian, 0.0022%; no homozygotes.

Submission:

Labcorp Genetics (formerly Invitae), Labcorp
Classification: Uncertain significance. Last evaluated: 2025-10-27. Review status: criteria provided, single submitter. Criteria: Invitae Variant Classification Sherloc (09022015). Collection method: clinical testing. Allele origin: germline.
Comment: This sequence change replaces arginine, which is basic and polar, with cysteine, which is neutral and slightly polar, at codon 196 of the PUS3 protein (p.Arg196Cys). This variant is present in population databases (rs370110541, gnomAD 0.007%). This variant has not been reported in the literature in individuals affected with PUS3-related conditions. ClinVar contains an entry for this variant (Variation ID: 1426704). Invitae Evidence Modeling of protein sequence and biophysical properties (such as structural, functional, and spatial information, amino acid conservation, physicochemical variation, residue mobility, and thermodynamic stability) indicates that this missense variant is expected to disrupt PUS3 protein function with a positive predictive value of 80%. In summary, the available evidence is currently insufficient to determine the role of this variant in disease. Therefore, it has been classified as a Variant of Uncertain Significance.

NM_031307.4(PUS3):c.586C>T (p.Arg196Cys)

Genes: HYLS1 (HYLS1 centriolar and ciliogenesis associated; plus strand), PUS3 (pseudouridine synthase 3; minus strand). Cytogenetic location: 11q24.2.
Variant type: single nucleotide variant.
Coding change: c.586C>T on transcript NM_031307.4 (MANE Select); coding-DNA position 586, C replaced by T.
Protein change: p.Arg196Cys; replaces arginine 196 with cysteine.
Molecular consequence: missense variant. On other transcripts: 5 prime UTR variant (1), intron variant (5).
Genome position (GRCh38, 1-based): chr11:125,895,582, G>A on the plus strand (C>T on the coding strand, the complement: PUS3 is on the minus strand). VCF-style: chr11-125895582-G-A. GRCh37 (hg19) VCF-style: chr11-125765477-G-A.
Other names: c.-39C>T (NM_001271985.2); c.-80-3522G>A (NM_145014.3); c.-25-3762G>A (NM_001134793.2, NM_001377269.1); c.-22-3765G>A (NM_001424364.1, NM_001377270.1); short protein forms R196C.
Identifiers: ClinVar variation 1426704 (VCV001426704.6), dbSNP rs370110541, ClinGen allele CA6350485.